The following is an entry in ClinVar:

NM_001105206.3(LAMA4):c.362C>T (p.Ser121Phe)

Gene: LAMA4 (laminin subunit alpha 4; minus strand). Cytogenetic location: 6q21.
Variant type: single nucleotide variant.
Coding change: c.362C>T on transcript NM_001105206.3 (MANE Select); coding-DNA position 362, C replaced by T.
Protein change: p.Ser121Phe; replaces serine 121 with phenylalanine.
Molecular consequence: missense variant.
Genome position (GRCh38, 1-based): chr6:112,207,081, G>A on the plus strand (C>T on the coding strand, the complement: LAMA4 is on the minus strand). VCF-style: chr6-112207081-G-A. GRCh37 (hg19) VCF-style: chr6-112528282-G-A.
Other names: c.362C>T, p.Ser121Phe (NM_001105207.3, NM_002290.5); short protein forms S121F.
Identifiers: ClinVar variation 960388 (VCV000960388.9), dbSNP rs1784099960, ClinGen allele CA365380995.
Genomic context (GRCh38, chr6:112,207,081, plus strand): 5'-TTGGCCAAGTGGGGCAGGGGACAGGGGCACGGCTGGCAGAATTGGGGTGCTCCCCTGATG[G>A]AATCTCCGATATAACCATCCAGACACTTTTCACAGTGCTCTCCTGTTGTGTTCCGCTGGC-3'
Protein context (NP_001098676.2, residues 111-131): EKCLDGYIGD[Ser121Phe]IRGAPQFCQP

ClinVar aggregate classification (germline): Uncertain significance (1 of 4 stars; one submission).

Conditions:
Dilated cardiomyopathy 1JJ (CMD1JJ). Identifiers: Orphanet 154, MedGen C3808935, MONDO:0014095, OMIM 615235.

Submission:

Labcorp Genetics (formerly Invitae), Labcorp
Classification: Uncertain significance for Dilated cardiomyopathy 1JJ. Last evaluated: 2023-04-24. Review status: criteria provided, single submitter. Criteria: Invitae Variant Classification Sherloc (09022015). Collection method: clinical testing. Allele origin: germline.
Comment: In summary, the available evidence is currently insufficient to determine the role of this variant in disease. Therefore, it has been classified as a Variant of Uncertain Significance. An algorithm developed to predict the effect of missense changes on protein structure and function (PolyPhen-2) suggests that this variant is likely to be tolerated. ClinVar contains an entry for this variant (Variation ID: 960388). This variant has not been reported in the literature in individuals affected with LAMA4-related conditions. This variant is not present in population databases (gnomAD no frequency). This sequence change replaces serine, which is neutral and polar, with phenylalanine, which is neutral and non-polar, at codon 121 of the LAMA4 protein (p.Ser121Phe).